The following is an entry in ClinVar:

NM_000492.4(CFTR):c.2150C>G (p.Thr717Ser)

Gene: CFTR (CF transmembrane conductance regulator; plus strand). Cytogenetic location: 7q31.2.
Variant type: single nucleotide variant.
Coding change: c.2150C>G on transcript NM_000492.4 (MANE Select); coding-DNA position 2150, C replaced by G.
Protein change: p.Thr717Ser; replaces threonine 717 with serine.
Molecular consequence: missense variant.
Genome position (GRCh38, 1-based): chr7:117,592,317, C>G. VCF-style: chr7-117592317-C-G. GRCh37 (hg19) VCF-style: chr7-117232371-C-G.
Other names: short protein forms T717S.
Identifiers: ClinVar variation 4825417 (VCV004825417.1).

ClinVar aggregate classification (germline): Uncertain significance (1 of 4 stars; one submission).

Conditions:
Cystic fibrosis (CF). Also called: MUCOVISCIDOSIS. Identifiers: Orphanet 586, MedGen C0010674, MONDO:0009061, OMIM 219700. Disease mechanism: loss of function.

Submission:

Ambry Genetics
Classification: Uncertain significance for Cystic fibrosis. Last evaluated: 2026-02-16. Review status: criteria provided, single submitter. Criteria: Ambry Variant Classification Scheme 2023. Collection method: clinical testing. Allele origin: germline.
Comment: The p.T717S variant (also known as c.2150C>G), located in coding exon 14 of the CFTR gene, results from a C to G substitution at nucleotide position 2150. The threonine at codon 717 is replaced by serine, an amino acid with similar properties. This amino acid position is conserved. In addition, this alteration is predicted to be tolerated by in silico analysis. Based on the available evidence, the clinical significance of this variant remains unclear.